The following is an entry in ClinVar:

NM_000051.4(ATM):c.6928A>T (p.Ser2310Cys)

Genes: ATM (ATM serine/threonine kinase; plus strand), C11orf65 (chromosome 11 open reading frame 65; minus strand). Cytogenetic location: 11q22.3.
Variant type: single nucleotide variant.
Coding change: c.6928A>T on transcript NM_000051.4 (MANE Select); coding-DNA position 6928, A replaced by T.
Protein change: p.Ser2310Cys; replaces serine 2310 with cysteine.
Molecular consequence: missense variant. On other transcripts: intron variant (2).
Genome position (GRCh38, 1-based): chr11:108,326,178, A>T. VCF-style: chr11-108326178-A-T. GRCh37 (hg19) VCF-style: chr11-108196905-A-T.
Other names: c.6928A>T, p.Ser2310Cys (NM_001351834.2); c.641-17107T>A (NM_001330368.2); c.*38+9042T>A (NM_001351110.2); short protein forms S2310C.
Identifiers: ClinVar variation 2859094 (VCV002859094.3), dbSNP rs572301723, ClinGen allele CA228412694.
Genomic context (GRCh38, chr11:108,326,178, plus strand): 5'-GAGTGGCAGCTGGAAGAAGCACAAGTATTCTGGGCAAAAAAGGAGCAGAGTCTTGCCCTG[A>T]GTATTCTCAAGCAAATGATCAAGAAGTTGGATGCCAGCTGTGCAGCGGTTTGTTTTTTTT-3'
Protein context (NP_000042.3, residues 2300-2320): WAKKEQSLAL[Ser2310Cys]ILKQMIKKLD

ClinVar aggregate classification (germline): Uncertain significance (1 of 4 stars; one submission).

Conditions:
Ataxia-telangiectasia syndrome (AT). Also called: ATAXIA-TELANGIECTASIA, COMPLEMENTATION GROUP A; ATAXIA-TELANGIECTASIA, FRESNO VARIANT; Ataxia-telangiectasia; Ataxia-telangiectasia, complementation group E; LOUIS-BAR SYNDROME; Cerebello-oculocutaneous telangiectasia. Identifiers: Orphanet 100, MedGen C0004135, MONDO:0008840, OMIM 208900.

gnomAD v4.1: 1 of 1,614,208 alleles (0.000062%); highest among the groups gnomAD compares: South Asian, 0.0011%; no homozygotes.

Submission:

Labcorp Genetics (formerly Invitae), Labcorp
Classification: Uncertain significance for Ataxia-telangiectasia syndrome. Last evaluated: 2023-08-04. Review status: criteria provided, single submitter. Criteria: Invitae Variant Classification Sherloc (09022015). Collection method: clinical testing. Allele origin: germline.
Comment: In summary, the available evidence is currently insufficient to determine the role of this variant in disease. Therefore, it has been classified as a Variant of Uncertain Significance. An algorithm developed to predict the effect of missense changes on protein structure and function (PolyPhen-2) suggests that this variant is likely to be tolerated. This variant has not been reported in the literature in individuals affected with ATM-related conditions. This variant is present in population databases (rs572301723, gnomAD 0.003%). This sequence change replaces serine, which is neutral and polar, with cysteine, which is neutral and slightly polar, at codon 2310 of the ATM protein (p.Ser2310Cys).